The following is an entry in ClinVar:

NM_004304.5(ALK):c.1366G>A (p.Asp456Asn)

Gene: ALK (ALK receptor tyrosine kinase; minus strand). Cytogenetic location: 2p23.2.
Variant type: single nucleotide variant.
Coding change: c.1366G>A on transcript NM_004304.5 (MANE Select); coding-DNA position 1366, G replaced by A.
Protein change: p.Asp456Asn; replaces aspartic acid 456 with asparagine.
Molecular consequence: missense variant.
Genome position (GRCh38, 1-based): chr2:29,328,398, C>T on the plus strand (G>A on the coding strand, the complement: ALK is on the minus strand). VCF-style: chr2-29328398-C-T. GRCh37 (hg19) VCF-style: chr2-29551264-C-T.
Other names: short protein forms D456N.
Identifiers: ClinVar variation 1482327 (VCV001482327.6), dbSNP rs2148258283, ClinGen allele CA346474242.

ClinVar aggregate classification (germline): Uncertain significance (1 of 4 stars; one submission).

Conditions:
Neuroblastoma, susceptibility to, 3. Also called: ALK-Related Neuroblastic Tumor Susceptibility. Identifiers: Orphanet 635, MedGen C2751681, MONDO:0013083, OMIM 613014.

Submission:

Labcorp Genetics (formerly Invitae), Labcorp
Classification: Uncertain significance for Neuroblastoma, susceptibility to, 3. Last evaluated: 2021-10-21. Review status: criteria provided, single submitter. Criteria: Invitae Variant Classification Sherloc (09022015). Collection method: clinical testing. Allele origin: germline.
Comment: Algorithms developed to predict the effect of missense changes on protein structure and function output the following: SIFT: "Tolerated"; PolyPhen-2: "Benign"; Align-GVGD: "Class C0". The asparagine amino acid residue is found in multiple mammalian species, which suggests that this missense change does not adversely affect protein function. In summary, the available evidence is currently insufficient to determine the role of this variant in disease. Therefore, it has been classified as a Variant of Uncertain Significance. This variant has not been reported in the literature in individuals affected with ALK-related conditions. This variant is not present in population databases (ExAC no frequency). This sequence change replaces aspartic acid with asparagine at codon 456 of the ALK protein (p.Asp456Asn). The aspartic acid residue is highly conserved and there is a small physicochemical difference between aspartic acid and asparagine.